The following is an entry in ClinVar:

ClinVar aggregate classification (germline): Uncertain significance (1 of 4 stars; one submission).

Allele frequency attached by ClinVar (database versions not stated): TOPMed 0.00001.
gnomAD v4.1: 13 of 1,595,016 alleles (0.00082%); highest among the groups gnomAD compares: Middle Eastern, 0.017%; no homozygotes.

Submission:

Institute for Clinical Genetics, University Hospital TU Dresden, University Hospital TU Dresden
Classification: Uncertain significance. Last evaluated: 2023-05-30. Review status: criteria provided, single submitter. Criteria: ACMG Guidelines, 2015. Collection method: clinical testing. Allele origin: germline.
Comment: PM2_SUP, PP2

NM_014727.3(KMT2B):c.4553G>A (p.Arg1518Gln)

Gene: KMT2B (lysine methyltransferase 2B; plus strand). Cytogenetic location: 19q13.12.
Variant type: single nucleotide variant.
Coding change: c.4553G>A on transcript NM_014727.3 (MANE Select); coding-DNA position 4553, G replaced by A.
Protein change: p.Arg1518Gln; replaces arginine 1518 with glutamine.
Molecular consequence: missense variant.
Genome position (GRCh38, 1-based): chr19:35,728,153, G>A. VCF-style: chr19-35728153-G-A. GRCh37 (hg19) VCF-style: chr19-36219054-G-A.
Other names: short protein forms R1518Q.
Identifiers: ClinVar variation 2576147 (VCV002576147.1), dbSNP rs1399559210, ClinGen allele CA405414738.